The following is an entry in ClinVar:

ClinVar aggregate classification (germline): Uncertain significance. Review status: criteria provided, multiple submitters, no conflicts (2 of 4 stars). 2 submissions from 2 submitters: Uncertain significance (2). Last evaluated 2024-01-31.

Conditions:
Naxos disease (NXD). Also called: KERATOSIS PALMOPLANTARIS WITH ARRHYTHMOGENIC CARDIOMYOPATHY; MAL DE NAXOS; PALMOPLANTAR KERATODERMA WITH ARRHYTHMOGENIC RIGHT VENTRICULAR CARDIOMYOPATHY AND WOOLLY HAIR; WOOLLY HAIR, PALMOPLANTAR KERATODERMA, AND CARDIAC ABNORMALITIES; CARDIOMYOPATHY, ARRHYTHMOGENIC RIGHT VENTRICULAR, WITH SKIN, HAIR, AND NAIL ABNORMALITIES. Identifiers: Orphanet 34217, MedGen C1832600, MONDO:0011017, OMIM 601214.
Arrhythmogenic right ventricular dysplasia 12. Also called: ARRHYTHMOGENIC RIGHT VENTRICULAR DYSPLASIA, FAMILIAL, 12. Identifiers: MedGen C1969081, MONDO:0012684, OMIM 611528.

gnomAD v4.1: 7 of 1,614,054 alleles (0.00043%); highest among the groups gnomAD compares: Non-Finnish European, 0.00059%; no homozygotes.

Submissions (2):

Labcorp Genetics (formerly Invitae), Labcorp
Classification: Uncertain significance for Arrhythmogenic right ventricular dysplasia 12; Naxos disease. Last evaluated: 2024-01-31. Review status: criteria provided, single submitter. Criteria: Invitae Variant Classification Sherloc (09022015). Collection method: clinical testing. Allele origin: germline.
Comment: This sequence change replaces alanine, which is neutral and non-polar, with serine, which is neutral and polar, at codon 571 of the JUP protein (p.Ala571Ser). This variant is present in population databases (rs397517297, gnomAD 0.0009%). This variant has not been reported in the literature in individuals affected with JUP-related conditions. ClinVar contains an entry for this variant (Variation ID: 45839). An algorithm developed to predict the effect of missense changes on protein structure and function (PolyPhen-2) suggests that this variant is likely to be disruptive. In summary, the available evidence is currently insufficient to determine the role of this variant in disease. Therefore, it has been classified as a Variant of Uncertain Significance.

Laboratory for Molecular Medicine, Mass General Brigham Personalized Medicine
Classification: Uncertain significance. Last evaluated: 2012-03-01. Review status: criteria provided, single submitter. Criteria: LMM Criteria. Collection method: clinical testing. Allele origin: germline. Observed: 1 variant allele.
Comment: The Ala571Ser variant (JUP) has not been previously reported in the literature o r been previously identified by our laboratory. Computational analyses (biochem ical amino acid properties, conservation, AlignGVGD, PolyPhen2, and SIFT) sugges t that this variant may not impact the normal function of the protein, though th is information is not predictive enough to rule out pathogenicity. Additional s tudies are needed to fully assess the clinical significance of the Ala571Ser var iant.

NM_002230.4(JUP):c.1711G>T (p.Ala571Ser)

Gene: JUP (junction plakoglobin; minus strand). Cytogenetic location: 17q21.2.
Variant type: single nucleotide variant.
Coding change: c.1711G>T on transcript NM_002230.4 (MANE Select); coding-DNA position 1711, G replaced by T.
Protein change: p.Ala571Ser; replaces alanine 571 with serine.
Molecular consequence: missense variant.
Genome position (GRCh38, 1-based): chr17:41,758,461, C>A on the plus strand (G>T on the coding strand, the complement: JUP is on the minus strand). VCF-style: chr17-41758461-C-A. GRCh37 (hg19) VCF-style: chr17-39914713-C-A.
Other names: c.1711G>T, p.Ala571Ser (NM_001352773.2, NM_001352774.2, NM_001352775.2 and 3 more transcripts); short protein forms A571S.
Identifiers: ClinVar variation 45839 (VCV000045839.12), dbSNP rs397517297, ClinGen allele CA137151.
Genomic context (GRCh38, chr17:41,758,461, plus strand): 5'-GCACAAACAGGGGAATGGTGTTGAGCCGGAAGATCTCCATGCGGTTCATGGGGTCCCGGG[C>A]GAGGATGTGCAGTGCTCCGGTGCAGCCCTCCACAATCTCCTCCATCCTCACACCATCCTG-3'
Protein context (NP_002221.1, residues 561-581): EGCTGALHIL[Ala571Ser]RDPMNRMEIF